The following is an entry in ClinVar:

NM_003392.7(WNT5A):c.305A>G (p.Lys102Arg)

Gene: WNT5A (Wnt family member 5A; minus strand). Cytogenetic location: 3p14.3.
Variant type: single nucleotide variant.
Coding change: c.305A>G on transcript NM_003392.7 (MANE Select); coding-DNA position 305, A replaced by G.
Protein change: p.Lys102Arg; replaces lysine 102 with arginine.
Molecular consequence: missense variant.
Genome position (GRCh38, 1-based): chr3:55,479,400, T>C on the plus strand (A>G on the coding strand, the complement: WNT5A is on the minus strand). VCF-style: chr3-55479400-T-C. GRCh37 (hg19) VCF-style: chr3-55513428-T-C.
Other names: c.305A>G (NM_003392.4, NM_003392.3); c.260A>G, p.Lys87Arg (NM_001256105.1, NM_001377271.1, NM_001377272.1); short protein forms K102R, K87R.
Identifiers: ClinVar variation 1503540 (VCV001503540.10), dbSNP rs375233428, ClinGen allele CA2459075.

ClinVar aggregate classification (germline): Conflicting classifications of pathogenicity. Review status: criteria provided, conflicting classifications (1 of 4 stars). 3 submissions from 3 submitters: Uncertain significance (1); Likely benign (2). Last evaluated 2025-11-17.

Conditions:
WNT5A-related disorder. Also called: WNT5A-related condition.
Inborn genetic diseases. Identifiers: MedGen C0950123, MeSH D030342.

Allele frequency attached by ClinVar (database versions not stated): gnomAD exomes 0.00002 and 0.00005; ExAC 0.00004; gnomAD 0.00015 and 0.00017; 1000 Genomes Project 30x 0.00016; TOPMed 0.00016; 1000 Genomes Project 0.00020; ESP Exome Variant Server 0.00024.

Submissions (3):

Labcorp Genetics (formerly Invitae), Labcorp
Classification: Uncertain significance. Last evaluated: 2025-11-17. Review status: criteria provided, single submitter. Criteria: Invitae Variant Classification Sherloc (09022015). Collection method: clinical testing. Allele origin: germline.
Comment: This sequence change replaces lysine, which is basic and polar, with arginine, which is basic and polar, at codon 102 of the WNT5A protein (p.Lys102Arg). This variant is present in population databases (rs375233428, gnomAD 0.05%), and has an allele count higher than expected for a pathogenic variant. This variant has not been reported in the literature in individuals affected with WNT5A-related conditions. ClinVar contains an entry for this variant (Variation ID: 1503540). Invitae Evidence Modeling of protein sequence and biophysical properties (such as structural, functional, and spatial information, amino acid conservation, physicochemical variation, residue mobility, and thermodynamic stability) indicates that this missense variant is not expected to disrupt WNT5A protein function with a negative predictive value of 80%. In summary, the available evidence is currently insufficient to determine the role of this variant in disease. Therefore, it has been classified as a Variant of Uncertain Significance.

PreventionGenetics, part of Exact Sciences
Classification: Likely benign for WNT5A-related condition. Last evaluated: 2025-03-21. Review status: criteria provided, single submitter. Criteria: ACMG Guidelines, 2015. Collection method: clinical testing. Allele origin: germline.
Comment: This variant is classified as likely benign based on ACMG/AMP sequence variant interpretation guidelines (Richards et al. 2015 PMID: 25741868, with internal and published modifications).

Ambry Genetics
Classification: Likely benign for Inborn genetic diseases. Last evaluated: 2024-06-17. Review status: criteria provided, single submitter. Criteria: Ambry Variant Classification Scheme 2023. Collection method: clinical testing. Allele origin: germline.